The following is an entry in ClinVar:

ClinVar aggregate classification (germline): Uncertain significance (1 of 4 stars; one submission).

Submission:

Labcorp Genetics (formerly Invitae), Labcorp
Classification: Uncertain significance. Last evaluated: 2026-02-02. Review status: criteria provided, single submitter. Criteria: Invitae Variant Classification Sherloc (09022015). Collection method: clinical testing. Allele origin: germline.
Comment: This sequence change replaces alanine, which is neutral and non-polar, with serine, which is neutral and polar, at codon 19 of the GUF1 protein (p.Ala19Ser). This variant is not present in population databases (gnomAD no frequency). This variant has not been reported in the literature in individuals affected with GUF1-related conditions. ClinVar contains an entry for this variant (Variation ID: 1513706). An algorithm developed to predict the effect of missense changes on protein structure and function (PolyPhen-2) suggests that this variant is likely to be tolerated. In summary, the available evidence is currently insufficient to determine the role of this variant in disease. Therefore, it has been classified as a Variant of Uncertain Significance.

NM_021927.3(GUF1):c.55G>T (p.Ala19Ser)

Genes: GUF1 (GTP binding elongation factor GUF1; plus strand), LOC129992541 (ATAC-STARR-seq lymphoblastoid silent region 15397; plus strand). Cytogenetic location: 4p12.
Variant type: single nucleotide variant.
Coding change: c.55G>T on transcript NM_021927.3 (MANE Select); coding-DNA position 55, G replaced by T.
Protein change: p.Ala19Ser; replaces alanine 19 with serine.
Molecular consequence: missense variant. On other transcripts: 5 prime UTR variant (2).
Genome position (GRCh38, 1-based): chr4:44,678,677, G>T. VCF-style: chr4-44678677-G-T. GRCh37 (hg19) VCF-style: chr4-44680694-G-T.
Other names: c.-914G>T (NM_001345867.2); c.55G>T, p.Ala19Ser (NM_001345868.2); c.-806G>T (NM_001345869.2); short protein forms A19S.
Identifiers: ClinVar variation 1513706 (VCV001513706.8), dbSNP rs894257532, ClinGen allele CA356759898.